The following is an entry in ClinVar:

ClinVar aggregate classification (germline): Uncertain significance. Review status: criteria provided, multiple submitters, no conflicts (2 of 4 stars). 2 submissions from 2 submitters: Uncertain significance (2). Last evaluated 2023-11-07.

Conditions:
Inborn genetic diseases. Identifiers: MedGen C0950123, MeSH D030342.

gnomAD v4.1: 2 of 1,606,054 alleles (0.00012%); highest among the groups gnomAD compares: East Asian, 0.0022%; no homozygotes.

Submissions (2):

Labcorp Genetics (formerly Invitae), Labcorp
Classification: Uncertain significance. Last evaluated: 2023-11-07. Review status: criteria provided, single submitter. Criteria: Invitae Variant Classification Sherloc (09022015). Collection method: clinical testing. Allele origin: germline.
Comment: This sequence change replaces threonine, which is neutral and polar, with isoleucine, which is neutral and non-polar, at codon 265 of the APC2 protein (p.Thr265Ile). The frequency data for this variant in the population databases is considered unreliable, as metrics indicate poor data quality at this position in the gnomAD database. This variant has not been reported in the literature in individuals affected with APC2-related conditions. ClinVar contains an entry for this variant (Variation ID: 2278132). Advanced modeling of protein sequence and biophysical properties (such as structural, functional, and spatial information, amino acid conservation, physicochemical variation, residue mobility, and thermodynamic stability) performed at Invitae indicates that this missense variant is expected to disrupt APC2 protein function with a positive predictive value of 80%. In summary, the available evidence is currently insufficient to determine the role of this variant in disease. Therefore, it has been classified as a Variant of Uncertain Significance.

Ambry Genetics
Classification: Uncertain significance for Inborn genetic diseases. Last evaluated: 2022-03-11. Review status: criteria provided, single submitter. Criteria: Ambry Variant Classification Scheme 2023. Collection method: clinical testing. Allele origin: germline.

NM_005883.3(APC2):c.794C>T (p.Thr265Ile)

Gene: APC2 (APC regulator of Wnt signaling pathway 2; plus strand). Cytogenetic location: 19p13.3.
Variant type: single nucleotide variant.
Coding change: c.794C>T on transcript NM_005883.3 (MANE Select); coding-DNA position 794, C replaced by T.
Protein change: p.Thr265Ile; replaces threonine 265 with isoleucine.
Molecular consequence: missense variant.
Genome position (GRCh38, 1-based): chr19:1,456,382, C>T. VCF-style: chr19-1456382-C-T. GRCh37 (hg19) VCF-style: chr19-1456381-C-T.
Other names: c.791C>T, p.Thr264Ile (NM_001351273.1); short protein forms T264I, T265I.
Identifiers: ClinVar variation 2278132 (VCV002278132.5), dbSNP rs1364066523, ClinGen allele CA403014083.